The following is an entry in ClinVar:

ClinVar aggregate classification (germline): Uncertain significance (1 of 4 stars; one submission).

Conditions:
Inborn genetic diseases. Identifiers: MedGen C0950123, MeSH D030342.

Submission:

Ambry Genetics
Classification: Uncertain significance for Inborn genetic diseases. Last evaluated: 2026-07-24. Review status: criteria provided, single submitter. Criteria: Ambry Variant Classification Scheme 2023. Collection method: clinical testing. Allele origin: germline.
Comment: The p.A207P variant (also known as c.619G>C), located in coding exon 5 of the RECQL4 gene, results from a G to C substitution at nucleotide position 619. The alanine at codon 207 is replaced by proline, an amino acid with highly similar properties. This amino acid position is conserved. In addition, this alteration is predicted to be tolerated by in silico analysis. Based on the available evidence, the clinical significance of this variant remains unclear.

NM_004260.4(RECQL4):c.619G>C (p.Ala207Pro)

Gene: RECQL4 (RecQ like helicase 4; minus strand). Cytogenetic location: 8q24.3.
Variant type: single nucleotide variant.
Coding change: c.619G>C on transcript NM_004260.4 (MANE Select); coding-DNA position 619, G replaced by C.
Protein change: p.Ala207Pro; replaces alanine 207 with proline.
Molecular consequence: missense variant. On other transcripts: 5 prime UTR variant (15), non-coding transcript variant (3), intron variant (3).
Genome position (GRCh38, 1-based): chr8:144,516,500, C>G on the plus strand (G>C on the coding strand, the complement: RECQL4 is on the minus strand). VCF-style: chr8-144516500-C-G. GRCh37 (hg19) VCF-style: chr8-145741884-C-G.
Other names: c.619G>C, p.Ala207Pro (NM_001413017.1, NM_001413018.1, NM_001413019.1 and 4 more transcripts); c.-453G>C (NM_001413022.1, NM_001413023.1, NM_001413024.1 and 5 more transcripts); c.490G>C, p.Ala164Pro (NM_001413025.1); c.-515G>C (NM_001413027.1, NM_001413030.1, NM_001413031.1 and 2 more transcripts); c.-357G>C (NM_001413034.1); c.-722G>C (NM_001413043.1); c.355-87G>C (NM_001413029.1); c.-366-87G>C (NM_001413021.1, NM_001413028.1); short protein forms A164P, A207P.
Identifiers: ClinVar variation 5028089 (VCV005028089.1).